The following is an entry in ClinVar:

NM_001035.3(RYR2):c.6773G>C (p.Arg2258Pro)

Gene: RYR2 (ryanodine receptor 2; plus strand). Cytogenetic location: 1q43.
Variant type: single nucleotide variant.
Coding change: c.6773G>C on transcript NM_001035.3 (MANE Select); coding-DNA position 6773, G replaced by C.
Protein change: p.Arg2258Pro; replaces arginine 2258 with proline.
Molecular consequence: missense variant.
Genome position (GRCh38, 1-based): chr1:237,634,973, G>C. VCF-style: chr1-237634973-G-C. GRCh37 (hg19) VCF-style: chr1-237798273-G-C.
Other names: short protein forms R2258P.
Identifiers: ClinVar variation 875403 (VCV000875403.14), dbSNP rs779289104, ClinGen allele CA345394853.

ClinVar aggregate classification (germline): Uncertain significance. Review status: criteria provided, multiple submitters, no conflicts (2 of 4 stars). 5 submissions from 4 submitters: Uncertain significance (5). Last evaluated 2024-04-25.

Conditions:
Catecholaminergic polymorphic ventricular tachycardia (CVPT). Also called: Catecholamine-induced polymorphic ventricular tachycardia. Identifiers: Orphanet 3286, MedGen C5574922, MONDO:0017990.
Arrhythmogenic right ventricular dysplasia 2. Identifiers: MedGen C1832931.
Cardiomyopathy (CMYO). Also called: Cardiomyopathies. Identifiers: Orphanet 167848, MedGen C0878544, MONDO:0004994, HP:0001638. Inheritance: Various modes of inheritance.
Catecholaminergic polymorphic ventricular tachycardia 1. Also called: RYR2-Related Catecholaminergic Polymorphic Ventricular Tachycardia; VENTRICULAR TACHYCARDIA, CATECHOLAMINERGIC POLYMORPHIC, 1, WITH OR WITHOUT ATRIAL DYSFUNCTION AND/OR DILATED CARDIOMYOPATHY; VENTRICULAR TACHYCARDIA, STRESS-INDUCED POLYMORPHIC 1. Identifiers: Orphanet 3286, MedGen C1631597, MONDO:0011484, OMIM 604772.

gnomAD v4.1: 2 of 1,599,362 alleles (0.00013%); highest among the groups gnomAD compares: Non-Finnish European, 0.00017%; no homozygotes.

Submissions (5):

All of Us Research Program, National Institutes of Health
Classification: Uncertain significance for Catecholaminergic polymorphic ventricular tachycardia. Last evaluated: 2024-04-25. Review status: criteria provided, single submitter. Criteria: ACMG Guidelines, 2015. Collection method: clinical testing. Allele origin: germline. Inheritance: Autosomal dominant inheritance. Observed: 2 variant alleles, 2 heterozygotes.
Comment: This missense variant replaces arginine with proline at codon 2258 of the RYR2 protein. Computational prediction suggests that this variant may have deleterious impact on protein structure and function (internally defined REVEL score threshold >= 0.7, PMID: 27666373). To our knowledge, functional studies have not been reported for this variant. This variant has not been reported in individuals affected with RYR2-related disorders in the literature. This variant has not been identified in the general population by the Genome Aggregation Database (gnomAD). The available evidence is insufficient to determine the role of this variant in disease conclusively. Therefore, this variant is classified as a Variant of Uncertain Significance.

This study involves interpretation of variants in research participants for the purpose of population health screening. Participant phenotype was not available at the time of variant classification. Additional details can be found in publication PMID: 35346344, PMCID: PMC8962531

Color Diagnostics, LLC DBA Color Health
Classification: Uncertain significance for Cardiomyopathy. Last evaluated: 2024-04-17. Review status: criteria provided, single submitter. Criteria: ACMG Guidelines, 2015. Collection method: clinical testing. Allele origin: germline.
Comment: This missense variant replaces arginine with proline at codon 2258 of the RYR2 protein. Computational prediction suggests that this variant may have deleterious impact on protein structure and function. To our knowledge, functional studies have not been reported for this variant. This variant has not been reported in individuals affected with RYR2-related disorders in the literature. This variant has not been identified in the general population by the Genome Aggregation Database (gnomAD). The available evidence is insufficient to determine the role of this variant in disease conclusively. Therefore, this variant is classified as a Variant of Uncertain Significance.

Labcorp Genetics (formerly Invitae), Labcorp
Classification: Uncertain significance for Catecholaminergic polymorphic ventricular tachycardia 1. Last evaluated: 2021-08-31. Review status: criteria provided, single submitter. Criteria: Invitae Variant Classification Sherloc (09022015). Collection method: clinical testing. Allele origin: germline.
Comment: This sequence change replaces arginine with proline at codon 2258 of the RYR2 protein (p.Arg2258Pro). The arginine residue is highly conserved and there is a moderate physicochemical difference between arginine and proline. This variant is not present in population databases (ExAC no frequency). This variant has not been reported in the literature in individuals affected with RYR2-related conditions. ClinVar contains an entry for this variant (Variation ID: 875403). Algorithms developed to predict the effect of missense changes on protein structure and function (SIFT, PolyPhen-2, Align-GVGD) all suggest that this variant is likely to be disruptive. In summary, the available evidence is currently insufficient to determine the role of this variant in disease. Therefore, it has been classified as a Variant of Uncertain Significance.

Illumina Laboratory Services, Illumina
Classification: Uncertain significance for Catecholaminergic polymorphic ventricular tachycardia 1. Last evaluated: 2018-01-13. Review status: criteria provided, single submitter. Criteria: ICSL Variant Classification Criteria 13 December 2019. Collection method: clinical testing. Allele origin: germline.

Illumina Laboratory Services, Illumina
Classification: Uncertain significance for Catecholaminergic polymorphic ventricular tachycardia 1. Last evaluated: 2018-01-13. Review status: criteria provided, single submitter. Criteria: ICSL Variant Classification Criteria 13 December 2019. Collection method: clinical testing. Allele origin: germline.